The following is an entry in ClinVar:

NM_005886.3(KATNB1):c.1276G>A (p.Val426Met)

Gene: KATNB1 (katanin regulatory subunit B1; plus strand). Cytogenetic location: 16q21.
Variant type: single nucleotide variant.
Coding change: c.1276G>A on transcript NM_005886.3 (MANE Select); coding-DNA position 1276, G replaced by A.
Protein change: p.Val426Met; replaces valine 426 with methionine.
Molecular consequence: missense variant.
Genome position (GRCh38, 1-based): chr16:57,754,977, G>A. VCF-style: chr16-57754977-G-A. GRCh37 (hg19) VCF-style: chr16-57788889-G-A.
Other names: c.1276G>A (NM_005886.2); short protein forms V426M.
Identifiers: ClinVar variation 1951111 (VCV001951111.3), dbSNP rs782099961, ClinGen allele CA8081128.

ClinVar aggregate classification (germline): Uncertain significance. Review status: criteria provided, multiple submitters, no conflicts (2 of 4 stars). 2 submissions from 2 submitters: Uncertain significance (2). Last evaluated 2025-07-03.

Conditions:
Inborn genetic diseases. Identifiers: MedGen C0950123, MeSH D030342.

Allele frequency attached by ClinVar (database versions not stated): ExAC 0.00001; gnomAD 0.00001; gnomAD exomes 0.00001; TOPMed 0.00002.
gnomAD v4.1: 5 of 1,613,956 alleles (0.00031%); highest among the groups gnomAD compares: Admixed American, 0.0083%; no homozygotes.

Submissions (2):

Ambry Genetics
Classification: Uncertain significance for Inborn genetic diseases. Last evaluated: 2025-07-03. Review status: criteria provided, single submitter. Criteria: Ambry Variant Classification Scheme 2023. Collection method: clinical testing. Allele origin: germline.

Labcorp Genetics (formerly Invitae), Labcorp
Classification: Uncertain significance. Last evaluated: 2022-06-11. Review status: criteria provided, single submitter. Criteria: Invitae Variant Classification Sherloc (09022015). Collection method: clinical testing. Allele origin: germline.
Comment: This sequence change replaces valine, which is neutral and non-polar, with methionine, which is neutral and non-polar, at codon 426 of the KATNB1 protein (p.Val426Met). This variant is present in population databases (rs782099961, gnomAD 0.01%). This variant has not been reported in the literature in individuals affected with KATNB1-related conditions. Advanced modeling of protein sequence and biophysical properties (such as structural, functional, and spatial information, amino acid conservation, physicochemical variation, residue mobility, and thermodynamic stability) performed at Invitae indicates that this missense variant is not expected to disrupt KATNB1 protein function. In summary, the available evidence is currently insufficient to determine the role of this variant in disease. Therefore, it has been classified as a Variant of Uncertain Significance.